The following is an entry in ClinVar:

NM_000138.5(FBN1):c.8486T>A (p.Leu2829Ter)

Gene: FBN1 (fibrillin 1; minus strand). Cytogenetic location: 15q21.1.
Variant type: single nucleotide variant.
Coding change: c.8486T>A on transcript NM_000138.5 (MANE Select); coding-DNA position 8486, T replaced by A.
Protein change: p.Leu2829Ter; replaces leucine 2829 with a stop codon.
Molecular consequence: nonsense.
Genome position (GRCh38, 1-based): chr15:48,411,120, A>T on the plus strand (T>A on the coding strand, the complement: FBN1 is on the minus strand). VCF-style: chr15-48411120-A-T. GRCh37 (hg19) VCF-style: chr15-48703317-A-T.
Other names: c.8486T>A, p.Leu2829Ter (NM_001406716.1); short protein forms L2829*.
Identifiers: ClinVar variation 5007641 (VCV005007641.1).
Genomic context (GRCh38, chr15:48,411,120, plus strand): 5'-TATTTGTCTTCTAGTTGGTTAAGTTCTTTCTTTTTATAAAGTGGAGTACTACTGATTTGT[A>T]ATGAATAGGTTCCAGCCACTGGCTTCTTCTTTGTGAAGTGGAGGTAGCTGATCCCTTCCT-3'

ClinVar aggregate classification (germline): Uncertain significance (1 of 4 stars; one submission).

Conditions:
Ectopia lentis 1, isolated, autosomal dominant (ECTOL1). Identifiers: Orphanet 1885, MedGen C3541518, MONDO:0007514, OMIM 129600.
Acromicric dysplasia (ACMICD). Also called: Acromicric skeletal dysplasia. Identifiers: Orphanet 969, MedGen C0265287, MONDO:0007055, OMIM 102370.
Marfan syndrome (MFS). Also called: MARFAN SYNDROME, TYPE I; FBN1-Related Marfan Syndrome; Marfan syndrome type 1; Marfan's syndrome; Marfan syndrome, classic. Identifiers: Orphanet 284963, Orphanet 558, MedGen C0024796, MONDO:0007947, OMIM 154700.
Stiff skin syndrome (SSKS). Identifiers: Orphanet 2833, MedGen C1861456, MONDO:0008492, OMIM 184900.
Weill-Marchesani syndrome 2, dominant. Also called: Weill-Marchesani Syndrome, Autosomal Dominant; FBN1-Related Weill-Marchesani Syndrome. Identifiers: Orphanet 2084, MedGen C1869115, MONDO:0012013, OMIM 608328.
Geleophysic dysplasia 2 (GPHYSD2). Identifiers: Orphanet 2623, MedGen C3280054, MONDO:0013612, OMIM 614185.
MASS syndrome (OCTD). Also called: MASS PHENOTYPE; OVERLAP CONNECTIVE TISSUE DISEASE. Identifiers: MedGen C1858556, MONDO:0011431, OMIM 604308.
Progeroid and marfanoid aspect-lipodystrophy syndrome. Also called: MARFANOID-PROGEROID SYNDROME; MARFAN-PROGEROID-LIPODYSTROPHY SYNDROME; Marfan lipodystrophy syndrome; MARFANOID-PROGEROID-LIPODYSTROPHY SYNDROME. Identifiers: Orphanet 300382, MedGen C4310796, MONDO:0014831, OMIM 616914.

Submission:

Juno Genomics, Hangzhou Juno Genomics, Inc
Classification: Uncertain significance for Stiff skin syndrome; Weill-Marchesani syndrome 2, dominant; Acromicric dysplasia; Ectopia lentis 1, isolated, autosomal dominant; Geleophysic dysplasia 2; Progeroid and marfanoid aspect-lipodystrophy syndrome; Marfan syndrome; MASS syndrome. Review status: criteria provided, single submitter. Criteria: ACMG Guidelines, 2015. Collection method: clinical testing. Allele origin: germline. Affected: yes.
Comment: Absent from controls (or at extremely low frequency if recessive) in Genome Aggregation Database.;Null variant in a gene where loss of function (LOF) is a known mechanism of disease.